The following is an entry in ClinVar:

ClinVar aggregate classification (germline): Conflicting classifications of pathogenicity. Review status: criteria provided, conflicting classifications (1 of 4 stars). 2 submissions from 2 submitters: Uncertain significance (1); Likely benign (1). Last evaluated 2024-07-08.

Conditions:
Hereditary cancer-predisposing syndrome. Also called: Neoplastic Syndromes, Hereditary; Tumor predisposition; Hereditary Cancer Syndrome; Hereditary neoplastic syndrome. Identifiers: Orphanet 140162, MedGen C0027672, MeSH D009386, MONDO:0015356.
Familial cancer of breast. Also called: BREAST CANCER, FAMILIAL; Hereditary breast cancer; hereditary breast carcinoma. Identifiers: Orphanet 227535, MedGen C0346153, MONDO:0016419, OMIM 114480. Disease mechanism: loss of function.

Allele frequency attached by ClinVar (database versions not stated): TOPMed below 0.00001; gnomAD 0.00001.

Submissions (2):

Labcorp Genetics (formerly Invitae), Labcorp
Classification: Uncertain significance for Familial cancer of breast. Last evaluated: 2024-07-08. Review status: criteria provided, single submitter. Criteria: Invitae Variant Classification Sherloc (09022015). Collection method: clinical testing. Allele origin: germline.
Comment: This sequence change replaces serine, which is neutral and polar, with threonine, which is neutral and polar, at codon 835 of the PALB2 protein (p.Ser835Thr). This variant is not present in population databases (gnomAD no frequency). This variant has not been reported in the literature in individuals affected with PALB2-related conditions. ClinVar contains an entry for this variant (Variation ID: 482047). Advanced modeling of protein sequence and biophysical properties (such as structural, functional, and spatial information, amino acid conservation, physicochemical variation, residue mobility, and thermodynamic stability) performed at Invitae indicates that this missense variant is not expected to disrupt PALB2 protein function with a negative predictive value of 80%. In summary, the available evidence is currently insufficient to determine the role of this variant in disease. Therefore, it has been classified as a Variant of Uncertain Significance.

Ambry Genetics
Classification: Likely benign for Hereditary cancer-predisposing syndrome. Last evaluated: 2024-03-11. Review status: criteria provided, single submitter. Criteria: Ambry Variant Classification Scheme 2023. Collection method: clinical testing. Allele origin: germline.

Literature cited by the submitters: PubMed 28779002 (cited by Ambry Genetics).

NM_024675.4(PALB2):c.2503T>A (p.Ser835Thr)

Gene: PALB2 (partner and localizer of BRCA2; minus strand). Cytogenetic location: 16p12.2.
Variant type: single nucleotide variant.
Coding change: c.2503T>A on transcript NM_024675.4 (MANE Select); coding-DNA position 2503, T replaced by A.
Protein change: p.Ser835Thr; replaces serine 835 with threonine.
Molecular consequence: missense variant.
Genome position (GRCh38, 1-based): chr16:23,629,651, A>T on the plus strand (T>A on the coding strand, the complement: PALB2 is on the minus strand). VCF-style: chr16-23629651-A-T. GRCh37 (hg19) VCF-style: chr16-23640972-A-T.
Other names: short protein forms S835T.
Identifiers: ClinVar variation 482047 (VCV000482047.12), dbSNP rs1343435250, ClinGen allele CA395123952.